The following is an entry in ClinVar:

ClinVar aggregate classification (germline): Uncertain significance (1 of 4 stars; one submission).

Conditions:
Cardiovascular phenotype. Identifiers: MedGen CN230736.

Submission:

Ambry Genetics
Classification: Uncertain significance for Cardiovascular phenotype. Last evaluated: 2020-12-08. Review status: criteria provided, single submitter. Criteria: Ambry Variant Classification Scheme 2023. Collection method: clinical testing. Allele origin: germline.
Comment: The p.P418S variant (also known as c.1252C>T), located in coding exon 9 of the LDB3 gene, results from a C to T substitution at nucleotide position 1252. The proline at codon 418 is replaced by serine, an amino acid with similar properties. This amino acid position is highly conserved in available vertebrate species. In addition, this alteration is predicted to be tolerated by in silico analysis. Since supporting evidence is limited at this time, the clinical significance of this alteration remains unclear.

NM_007078.3(LDB3):c.1252C>T (p.Pro418Ser)

Gene: LDB3 (LIM domain binding 3; plus strand). Cytogenetic location: 10q23.2.
Variant type: single nucleotide variant.
Coding change: c.1252C>T on transcript NM_007078.3 (MANE Select); coding-DNA position 1252, C replaced by T.
Protein change: p.Pro418Ser; replaces proline 418 with serine.
Molecular consequence: missense variant.
Genome position (GRCh38, 1-based): chr10:86,716,347, C>T. VCF-style: chr10-86716347-C-T. GRCh37 (hg19) VCF-style: chr10-88476104-C-T.
Other names: c.922C>T, p.Pro308Ser (NM_001080114.2); c.1267C>T, p.Pro423Ser (NM_001171610.2); c.1063C>T, p.Pro355Ser (NM_001368064.1, NM_001368065.1); c.1111C>T, p.Pro371Ser (NM_001368066.1); short protein forms P308S, P355S, P423S, P418S, P371S.
Identifiers: ClinVar variation 1761032 (VCV001761032.2), dbSNP rs1846868508, ClinGen allele CA377449384.
Genomic context (GRCh38, chr10:86,716,347, plus strand): 5'-CCTGACACACCTTTCTTTGGGTTTTTTTTGGCTTTTGCAGTGCCTGCATCTACCTACAGC[C>T]CGTCCCCAGGGGCCAATTACAGTCCCACTCCCTACACCCCCTCCCCTGCCCCTGCCTACA-3'
Protein context (NP_009009.1, residues 408-428): YQPVPASTYS[Pro418Ser]SPGANYSPTP